The following is an entry in ClinVar:

NM_139057.4(ADAMTS17):c.2107A>G (p.Lys703Glu)

Gene: ADAMTS17 (ADAM metallopeptidase with thrombospondin type 1 motif 17; minus strand). Cytogenetic location: 15q26.3.
Variant type: single nucleotide variant.
Coding change: c.2107A>G on transcript NM_139057.4 (MANE Select); coding-DNA position 2107, A replaced by G.
Protein change: p.Lys703Glu; replaces lysine 703 with glutamic acid.
Molecular consequence: missense variant.
Genome position (GRCh38, 1-based): chr15:100,096,386, T>C on the plus strand (A>G on the coding strand, the complement: ADAMTS17 is on the minus strand). VCF-style: chr15-100096386-T-C. GRCh37 (hg19) VCF-style: chr15-100636591-T-C.
Other names: short protein forms K703E.
Identifiers: ClinVar variation 3713668 (VCV003713668.2).

ClinVar aggregate classification (germline): Uncertain significance (1 of 4 stars; one submission).

Submission:

Labcorp Genetics (formerly Invitae), Labcorp
Classification: Uncertain significance. Last evaluated: 2024-10-10. Review status: criteria provided, single submitter. Criteria: Invitae Variant Classification Sherloc (09022015). Collection method: clinical testing. Allele origin: germline.
Comment: This sequence change replaces lysine, which is basic and polar, with glutamic acid, which is acidic and polar, at codon 703 of the ADAMTS17 protein (p.Lys703Glu). This variant is present in population databases (rs770671600, gnomAD 0.006%). This variant has not been reported in the literature in individuals affected with ADAMTS17-related conditions. An algorithm developed to predict the effect of missense changes on protein structure and function (PolyPhen-2) suggests that this variant is likely to be disruptive. In summary, the available evidence is currently insufficient to determine the role of this variant in disease. Therefore, it has been classified as a Variant of Uncertain Significance.